The following is an entry in ClinVar:

NM_004360.5(CDH1):c.438_439del (p.Pro147fs)

Gene: CDH1 (cadherin 1; plus strand). Cytogenetic location: 16q22.1.
Variant type: Microsatellite.
Coding change: c.438_439del on transcript NM_004360.5 (MANE Select); coding-DNA positions 438 to 439, 2 bases deleted (TC; older notation c.438_439delTC).
Protein change: p.Pro147fs; shifts the reading frame from proline 147.
Molecular consequence: frameshift variant. On other transcripts: 5 prime UTR variant (2).
Genome position (GRCh38, 1-based): chr16:68,808,474-68,808,475, TC deleted; deleting any 2 consecutive bases within chr16:68,808,471-68,808,475 gives the same sequence; the c. name uses the placement nearest the transcript's 3' end. VCF-style (leftmost placement, unchanged base first): chr16-68808470-CCT-C. GRCh37 (hg19) VCF-style: chr16-68842373-CCT-C.
Other names: c.436_437TC[1] (NM_004360.5); c.-1384TC[1] (NM_001317186.2); c.438_439del, p.Pro147fs (NM_001317184.2); c.-1180TC[1] (NM_001317185.2); c.438_439del (NM_004360.4); short protein forms P147fs.
Identifiers: ClinVar variation 491536 (VCV000491536.16), dbSNP rs1555515197, ClinGen allele CA658683944.

ClinVar aggregate classification (germline): Pathogenic. Review status: reviewed by expert panel (3 of 4 stars). 4 submissions from 4 submitters: Pathogenic (1). 3 of the submissions do not count toward it. Last evaluated 2023-08-04.

Conditions:
CDH1-related diffuse gastric and lobular breast cancer syndrome. Also called: CDH1-related diffuse gastric and lobular breast cancer. Identifiers: MedGen CN311521, MONDO:0100488.
Hereditary cancer-predisposing syndrome. Also called: Tumor predisposition; Neoplastic Syndromes, Hereditary; Hereditary Cancer Syndrome; Hereditary neoplastic syndrome. Identifiers: Orphanet 140162, MedGen C0027672, MeSH D009386, MONDO:0015356.
Hereditary diffuse gastric adenocarcinoma (HDGC). Also called: DIFFUSE GASTRIC AND LOBULAR BREAST CANCER SYNDROME. Identifiers: Orphanet 26106, MedGen C1708349, MONDO:0007648, OMIM 137215.

Submissions (4):

Clingen Gastric Cancer Variant Curation Expert Panel
Classification: Pathogenic for CDH1-related diffuse gastric and lobular breast cancer syndrome. Last evaluated: 2023-08-04. Review status: reviewed by expert panel. Criteria: ClinGen CDH1 ACMG Specifications V3.1. Collection method: curation. Allele origin: germline. Inheritance: Autosomal dominant inheritance.
Comment: The c.438_439delTC p.(Pro147Trpfs*20) variant is predicted to result in a premature stop codon that leads to nonsense mediate decay (PVS1 and PM5_supporting). The variant is absent in the gnomAD cohort (PM2_supporting). Therefore, this variant meets criteria to be classified as pathogenic based on the ACMG/AMP criteria applied as specified by the CDH1 Variant Curation Expert Panel (CDH1 VCEP specifications version 3.1): PVS1, PM2_supporting, PM5_supporting.

Myriad Genetics, Inc.
Classification: Pathogenic for Hereditary diffuse gastric adenocarcinoma. Last evaluated: 2023-06-08. Review status: criteria provided, single submitter. Criteria: Myriad Autosomal Dominant, Autosomal Recessive and X-Linked Classification Criteria (2023). Collection method: clinical testing. Allele origin: unknown. Not counted in ClinVar's aggregate classification.
Comment: This variant is considered pathogenic. This variant creates a frameshift predicted to result in premature protein truncation.

Labcorp Genetics (formerly Invitae), Labcorp
Classification: Pathogenic for Hereditary diffuse gastric adenocarcinoma. Last evaluated: 2021-04-26. Review status: criteria provided, single submitter. Criteria: Invitae Variant Classification Sherloc (09022015). Collection method: clinical testing. Allele origin: germline. Not counted in ClinVar's aggregate classification.
Comment: This sequence change creates a premature translational stop signal (p.Pro147Trpfs*20) in the CDH1 gene. It is expected to result in an absent or disrupted protein product. Loss-of-function variants in CDH1 are known to be pathogenic (PMID: 15235021, 20373070). For these reasons, this variant has been classified as Pathogenic. This variant has not been reported in the literature in individuals with CDH1-related conditions. This variant is not present in population databases (ExAC no frequency).

Color Diagnostics, LLC DBA Color Health
Classification: Pathogenic for Hereditary cancer-predisposing syndrome. Last evaluated: 2020-02-06. Review status: criteria provided, single submitter. Criteria: ACMG Guidelines, 2015. Collection method: clinical testing. Allele origin: germline. Not counted in ClinVar's aggregate classification.
Comment: This variant deletes 2 nucleotides in exon 4 of the CDH1 gene, creating a frameshift and premature translation stop signal. This variant is expected to result in an absent or non-functional protein product. Splice site prediction tools suggest that this variant may not impact RNA splicing. To our knowledge, functional studies have not been performed for this variant. This variant has not been reported in individuals affected with hereditary cancer in the literature. This variant has not been identified in the general population by the Genome Aggregation Database (gnomAD). Loss of CDH1 function is a known mechanism of disease. Based on the available evidence, this variant is classified as Pathogenic.

Literature cited by the submitters: PubMed 15235021 (cited by Labcorp Genetics (formerly Invitae), Labcorp); PubMed 20373070 (cited by Labcorp Genetics (formerly Invitae), Labcorp).